The following is an entry in ClinVar:

NM_017617.5(NOTCH1):c.2114C>G (p.Pro705Arg)

Gene: NOTCH1 (notch receptor 1; minus strand). Cytogenetic location: 9q34.3.
Variant type: single nucleotide variant.
Coding change: c.2114C>G on transcript NM_017617.5 (MANE Select); coding-DNA position 2114, C replaced by G.
Protein change: p.Pro705Arg; replaces proline 705 with arginine.
Molecular consequence: missense variant.
Genome position (GRCh38, 1-based): chr9:136,514,603, G>C on the plus strand (C>G on the coding strand, the complement: NOTCH1 is on the minus strand). VCF-style: chr9-136514603-G-C. GRCh37 (hg19) VCF-style: chr9-139409055-G-C.
Other names: short protein forms P705R.
Identifiers: ClinVar variation 1707824 (VCV001707824.2), dbSNP rs2133360849, ClinGen allele CA375558708.

ClinVar aggregate classification (germline): Uncertain significance (1 of 4 stars; one submission).

Submission:

GeneDx
Classification: Uncertain significance. Last evaluated: 2022-03-31. Review status: criteria provided, single submitter. Criteria: GeneDx Variant Classification Process June 2021. Collection method: clinical testing. Allele origin: germline. Affected: yes.
Comment: Not observed at significant frequency in large population cohorts (gnomAD); In silico analysis supports that this missense variant has a deleterious effect on protein structure/function; Has not been previously published as pathogenic or benign to our knowledge